The following is an entry in ClinVar:

NM_178857.6(RP1L1):c.-123C>G

Gene: RP1L1 (RP1 like 1). Cytogenetic location: 8p23.1.
Variant type: single nucleotide variant.
Coding change: c.-123C>G on transcript NM_178857.6 (MANE Select); 123 bases upstream of the start codon, C replaced by G.
Molecular consequence: 5 prime UTR variant.
Genome position (GRCh38, 1-based): chr8:10,655,001, G>C on the plus strand (C>G on the coding strand, the complement: RP1L1 is on the minus strand). VCF-style: chr8-10655001-G-C. GRCh37 (hg19) VCF-style: chr8-10512511-G-C.
Identifiers: ClinVar variation 361437 (VCV000361437.6), dbSNP rs9969466, ClinGen allele CA10626796.
Genomic context (GRCh38, chr8:10,655,001, plus strand): 5'-CAGGGGGACGTCCTTTGGAGGAAAGTCAGGCCAGGGGGAACACCGCCTCCTTCCCTGCCA[G>C]TGGCTCAGTCCCTCTGGGCAGCAGGGCTGGCCACCCTCCTCCGGACAGTCCTCGGGGCCA-3'

ClinVar aggregate classification (germline): Benign. Review status: criteria provided, multiple submitters, no conflicts (2 of 4 stars). 2 submissions from 2 submitters: Benign (2). Last evaluated 2018-01-12.

Conditions:
Occult macular dystrophy (OCMD). Also called: OMD; OCCULT MACULAR DYSTROPHY, SUSCEPTIBILITY TO. Identifiers: Orphanet 247834, MedGen C3150833, MONDO:0013316, OMIM 613587, HP:0030636.

Allele frequency attached by ClinVar (database versions not stated): gnomAD exomes 0.44225; 1000 Genomes Project 0.48982; 1000 Genomes Project 30x 0.50094; gnomAD 0.56676 and 0.57812; TOPMed 0.57162.
gnomAD v4.1: 86,383 of 152,830 alleles (57%); highest among the groups gnomAD compares: African/African-American, 73%; 26,010 homozygotes.

Submissions (2):

Illumina Laboratory Services, Illumina
Classification: Benign for Occult macular dystrophy. Last evaluated: 2018-01-12. Review status: criteria provided, single submitter. Criteria: ICSL Variant Classification Criteria 13 December 2019. Collection method: clinical testing. Allele origin: germline.
Comment: This variant was observed in the ICSL laboratory as part of a predisposition screen in an ostensibly healthy population. It had not been previously curated by ICSL or reported in the Human Gene Mutation Database (HGMD: prior to June 1st, 2018), and was therefore a candidate for classification through an automated scoring system. Utilizing variant allele frequency, disease prevalence and penetrance estimates, and inheritance mode, an automated score was calculated to assess if this variant is too frequent to cause the disease. Based on the score and internal cut-off values, a variant classified as benign is not then subjected to further curation. The score for this variant resulted in a classification of benign for this disease.

Breakthrough Genomics
Classification: Benign. Review status: criteria provided, single submitter. Criteria: ACMG Guidelines, 2015. Collection method: not provided. Allele origin: germline. Inheritance: Autosomal recessive inheritance. Affected: yes.